The following is an entry in ClinVar:

NM_005210.4(CRYGB):c.192T>C (p.Pro64=)

Genes: CRYGB (crystallin gamma B; minus strand), LOC100507443 (uncharacterized LOC100507443; plus strand). Cytogenetic location: 2q33.3.
Variant type: single nucleotide variant.
Coding change: c.192T>C on transcript NM_005210.4 (MANE Select); coding-DNA position 192, T replaced by C.
Protein change: p.Pro64=; no amino-acid change (proline 64 retained).
Molecular consequence: synonymous variant.
Genome position (GRCh38, 1-based): chr2:208,145,834, A>G on the plus strand (T>C on the coding strand, the complement: CRYGB is on the minus strand). VCF-style: chr2-208145834-A-G. GRCh37 (hg19) VCF-style: chr2-209010558-A-G.
Identifiers: ClinVar variation 677165 (VCV000677165.14), dbSNP rs2854723, ClinGen allele CA2078127.

ClinVar aggregate classification (germline): Benign. Review status: criteria provided, multiple submitters, no conflicts (2 of 4 stars). 4 submissions from 4 submitters: Benign (4). Last evaluated 2026-01-28.

Conditions:
Cataract 39 multiple types. Also called: Cataract 39, multiple types, autosomal dominant. Identifiers: Orphanet 91492, MedGen C3808800, MONDO:0014075, OMIM 615188.

Allele frequency attached by ClinVar (database versions not stated): 1000 Genomes Project 0.40196; 1000 Genomes Project 30x 0.40240; TOPMed 0.46837; gnomAD exomes 0.47500 and 0.52592; gnomAD 0.48090; ExAC 0.48167; ESP Exome Variant Server 0.50077.
gnomAD v4.1: 841,826 of 1,613,698 alleles (52%); highest among the groups gnomAD compares: Non-Finnish European, 55%; 224,329 homozygotes.

Submissions (4):

Labcorp Genetics (formerly Invitae), Labcorp
Classification: Benign for Cataract 39 multiple types. Last evaluated: 2026-01-28. Review status: criteria provided, single submitter. Criteria: Invitae Variant Classification Sherloc (09022015). Collection method: clinical testing. Allele origin: germline.

Genome-Nilou Lab
Classification: Benign for Cataract 39 multiple types. Last evaluated: 2021-07-30. Review status: criteria provided, single submitter. Criteria: ACMG Guidelines, 2015. Collection method: clinical testing. Allele origin: germline. Affected: no.

GeneDx
Classification: Benign. Last evaluated: 2018-03-24. Review status: criteria provided, single submitter. Criteria: GeneDx Variant Classification (06012015). Collection method: clinical testing. Allele origin: germline. Affected: yes.
Comment: This variant is considered likely benign or benign based on one or more of the following criteria: it is a conservative change, it occurs at a poorly conserved position in the protein, it is predicted to be benign by multiple in silico algorithms, and/or has population frequency not consistent with disease.

Breakthrough Genomics
Classification: Benign. Review status: criteria provided, single submitter. Criteria: ACMG Guidelines, 2015. Collection method: not provided. Allele origin: germline. Inheritance: Autosomal dominant inheritance. Affected: yes.